The following is an entry in ClinVar:

ClinVar aggregate classification (germline): Uncertain significance (1 of 4 stars; one submission).

Conditions:
Aldosterone-producing adenoma with seizures and neurological abnormalities. Also called: Primary aldosteronism, seizures, and neurologic abnormalities. Identifiers: Orphanet 369929, MedGen C3809609, MONDO:0014200, OMIM 615474.

Allele frequency attached by ClinVar (database versions not stated): TOPMed below 0.00001.

Submission:

New York Genome Center
Classification: Uncertain significance for Aldosterone-producing adenoma with seizures and neurological abnormalities. Last evaluated: 2020-07-17. Review status: criteria provided, single submitter. Criteria: NYGC Assertion Criteria 2020. Collection method: clinical testing. Allele origin: inherited. Observed: 1 heterozygote. Study: CSER-NYCKidSeq.
Comment: The variant is absent from the gnomAD(v3) database indicating it is an extremely rare allele in the populatons represented in gnomAD(v3). The c.2473G>A (p.Val825Ile) variant affects the last nucleotide of exon 18 (of 48) and is predicted by multiple in silico tools to alter the normal mRNA splicing of CACNA1D (TRAP score = 0.991 out of 1, splicing ADA score =1 out of 1, splicing RF score = 1 out of 1). The affected residue is conserved both at the protein as well as at the nucleotide level. Functional studies are required to evaluate the potential pathogenicity of the this variant. Based on the available evidence, the inherited heterozygous c.2473G>A (p.Val825Ile) variant identified in the CACNA1D gene is assessed as a variant of uncertain significance.

NM_001128840.3(CACNA1D):c.2473G>A (p.Val825Ile)

Gene: CACNA1D (calcium voltage-gated channel subunit alpha1 D; plus strand). Cytogenetic location: 3p21.1.
Variant type: single nucleotide variant.
Coding change: c.2473G>A on transcript NM_001128840.3 (MANE Select); coding-DNA position 2473, G replaced by A.
Protein change: p.Val825Ile; replaces valine 825 with isoleucine.
Molecular consequence: missense variant.
Genome position (GRCh38, 1-based): chr3:53,732,082, G>A. VCF-style: chr3-53732082-G-A. GRCh37 (hg19) VCF-style: chr3-53766109-G-A.
Other names: c.2533G>A, p.Val845Ile (NM_000720.4); c.2473G>A, p.Val825Ile (NM_001128839.3); short protein forms V825I, V845I.
Identifiers: ClinVar variation 1184426 (VCV001184426.1), dbSNP rs2094998922, ClinGen allele CA353241222.